The following is an entry in ClinVar:

ClinVar aggregate classification (germline): Uncertain significance (1 of 4 stars; one submission).

gnomAD v4.1: 6 of 1,559,504 alleles (0.00038%); highest among the groups gnomAD compares: South Asian, 0.0012%; no homozygotes.

Submission:

Women's Health and Genetics/Laboratory Corporation of America, LabCorp
Classification: Uncertain significance. Last evaluated: 2022-06-23. Review status: criteria provided, single submitter. Criteria: LabCorp Variant Classification Summary - May 2015. Collection method: clinical testing. Allele origin: germline.
Comment: Variant summary: COL6A1 c.508G>T (p.Gly170Trp) results in a non-conservative amino acid change located in the von Willebrand factor, type A (IPR002035) of the encoded protein sequence. Five of five in-silico tools predict a damaging effect of the variant on protein function. The variant was absent in 167722 control chromosomes (gnomAD). The available data on variant occurrences in the general population are insufficient to allow any conclusion about variant significance. To our knowledge, no occurrence of c.508G>T in individuals affected with Collagen Type VI-Related Disorders and no experimental evidence demonstrating its impact on protein function have been reported. No clinical diagnostic laboratories have submitted clinical-significance assessments for this variant to ClinVar after 2014. Based on the evidence outlined above, the variant was classified as uncertain significance.

NM_001848.3(COL6A1):c.508G>T (p.Gly170Trp)

Gene: COL6A1 (collagen type VI alpha 1 chain; plus strand). Cytogenetic location: 21q22.3.
Variant type: single nucleotide variant.
Coding change: c.508G>T on transcript NM_001848.3 (MANE Select); coding-DNA position 508, G replaced by T.
Protein change: p.Gly170Trp; replaces glycine 170 with tryptophan.
Molecular consequence: missense variant.
Genome position (GRCh38, 1-based): chr21:45,986,605, G>T. VCF-style: chr21-45986605-G-T. GRCh37 (hg19) VCF-style: chr21-47406519-G-T.
Other names: short protein forms G170W.
Identifiers: ClinVar variation 1698622 (VCV001698622.1), dbSNP rs370889024, ClinGen allele CA410518045.